The following is an entry in ClinVar:

ClinVar aggregate classification (germline): Uncertain significance. Review status: criteria provided, multiple submitters, no conflicts (2 of 4 stars). 3 submissions from 3 submitters: Uncertain significance (3). Last evaluated 2024-01-01.

Conditions:
Hereditary cancer-predisposing syndrome. Also called: Tumor predisposition; Neoplastic Syndromes, Hereditary; Hereditary Cancer Syndrome; Hereditary neoplastic syndrome. Identifiers: Orphanet 140162, MedGen C0027672, MeSH D009386, MONDO:0015356.
Ataxia-telangiectasia syndrome (AT). Also called: Ataxia-telangiectasia; LOUIS-BAR SYNDROME; Ataxia-telangiectasia, complementation group D; AT, COMPLEMENTATION GROUP C; ATAXIA-TELANGIECTASIA, COMPLEMENTATION GROUP A; ATAXIA-TELANGIECTASIA, FRESNO VARIANT. Identifiers: Orphanet 100, MedGen C0004135, MONDO:0008840, OMIM 208900.
Familial cancer of breast. Also called: BREAST CANCER, FAMILIAL; Hereditary breast cancer; hereditary breast carcinoma. Identifiers: Orphanet 227535, MedGen C0346153, MONDO:0016419, OMIM 114480. Disease mechanism: loss of function.

Submissions (3):

Baylor Genetics
Classification: Uncertain significance for Familial cancer of breast. Last evaluated: 2024-01-01. Review status: criteria provided, single submitter. Criteria: ACMG Guidelines, 2015. Collection method: clinical testing. Allele origin: unknown.

Ambry Genetics
Classification: Uncertain significance for Hereditary cancer-predisposing syndrome. Last evaluated: 2023-03-05. Review status: criteria provided, single submitter. Criteria: Ambry Variant Classification Scheme 2023. Collection method: clinical testing. Allele origin: germline.
Comment: The p.S2146G variant (also known as c.6436A>G), located in coding exon 43 of the ATM gene, results from an A to G substitution at nucleotide position 6436. The serine at codon 2146 is replaced by glycine, an amino acid with similar properties. This amino acid position is conserved. In addition, this alteration is predicted to be tolerated by in silico analysis. Since supporting evidence is limited at this time, the clinical significance of this alteration remains unclear.

Labcorp Genetics (formerly Invitae), Labcorp
Classification: Uncertain significance for Ataxia-telangiectasia syndrome. Last evaluated: 2021-03-07. Review status: criteria provided, single submitter. Criteria: Invitae Variant Classification Sherloc (09022015). Collection method: clinical testing. Allele origin: germline.
Comment: Advanced modeling of protein sequence and biophysical properties (such as structural, functional, and spatial information, amino acid conservation, physicochemical variation, residue mobility, and thermodynamic stability) performed at Invitae indicates that this missense variant is not expected to disrupt ATM protein function. Algorithms developed to predict the effect of sequence changes on RNA splicing suggest that this variant may create or strengthen a splice site, but this prediction has not been confirmed by published transcriptional studies. This variant has not been reported in the literature in individuals with ATM-related conditions. This variant is not present in population databases (ExAC no frequency). This sequence change replaces serine with glycine at codon 2146 of the ATM protein (p.Ser2146Gly). The serine residue is weakly conserved and there is a small physicochemical difference between serine and glycine. In summary, the available evidence is currently insufficient to determine the role of this variant in disease. Therefore, it has been classified as a Variant of Uncertain Significance.

NM_000051.4(ATM):c.6436A>G (p.Ser2146Gly)

Genes: ATM (ATM serine/threonine kinase; plus strand), C11orf65 (chromosome 11 open reading frame 65; minus strand). Cytogenetic location: 11q22.3.
Variant type: single nucleotide variant.
Coding change: c.6436A>G on transcript NM_000051.4 (MANE Select); coding-DNA position 6436, A replaced by G.
Protein change: p.Ser2146Gly; replaces serine 2146 with glycine.
Molecular consequence: missense variant. On other transcripts: intron variant (2).
Genome position (GRCh38, 1-based): chr11:108,320,042, A>G. VCF-style: chr11-108320042-A-G. GRCh37 (hg19) VCF-style: chr11-108190769-A-G.
Other names: c.6436A>G, p.Ser2146Gly (NM_001351834.2); c.641-10971T>C (NM_001330368.2); c.*39-10971T>C (NM_001351110.2); short protein forms S2146G.
Identifiers: ClinVar variation 1376958 (VCV001376958.11), dbSNP rs2136222103, ClinGen allele CA382553582.